The following is an entry in ClinVar:

ClinVar aggregate classification (germline): Uncertain significance (1 of 4 stars; one submission).

gnomAD v4.1: 2 of 1,614,242 alleles (0.00012%); highest among the groups gnomAD compares: Non-Finnish European, 0.00017%; no homozygotes.

Submission:

Women's Health and Genetics/Laboratory Corporation of America, LabCorp
Classification: Uncertain significance. Last evaluated: 2025-10-03. Review status: criteria provided, single submitter. Criteria: LabCorp Variant Classification Summary - May 2015. Collection method: clinical testing. Allele origin: germline.
Comment: Variant summary: KAT6A c.5507A>G (p.Asn1836Ser) results in a conservative amino acid change in the encoded protein sequence. Algorithms developed to predict the effect of missense changes on protein structure and function are either unavailable or do not agree on the potential impact of this missense change. The variant was absent in 251486 control chromosomes. The available data on variant occurrences in the general population are insufficient to allow any conclusion about variant significance. To our knowledge, no occurrence of c.5507A>G in individuals affected with KAT6A-related conditions and no experimental evidence demonstrating its impact on protein function have been reported. No submitters have cited clinical-significance assessments for this variant to ClinVar. Based on the evidence outlined above, the variant was classified as uncertain significance.

NM_006766.5(KAT6A):c.5507A>G (p.Asn1836Ser)

Gene: KAT6A (lysine acetyltransferase 6A; minus strand). Cytogenetic location: 8p11.21.
Variant type: single nucleotide variant.
Coding change: c.5507A>G on transcript NM_006766.5 (MANE Select); coding-DNA position 5507, A replaced by G.
Protein change: p.Asn1836Ser; replaces asparagine 1836 with serine.
Molecular consequence: missense variant.
Genome position (GRCh38, 1-based): chr8:41,932,713, T>C on the plus strand (A>G on the coding strand, the complement: KAT6A is on the minus strand). VCF-style: chr8-41932713-T-C. GRCh37 (hg19) VCF-style: chr8-41790231-T-C.
Other names: short protein forms N1836S.
Identifiers: ClinVar variation 4687594 (VCV004687594.1).
Genomic context (GRCh38, chr8:41,932,713, plus strand): 5'-GAAATGTGCCCCTTCACTGGCATTTGCCCTTGCAATCTCTGCGTGTGAGGAATGCCAATG[T>C]TGGTGGCAGACATGTTGCACTGAAGCAGAGGAGATGTGAGGTTCATGGTAGTGGATGCCA-3'
Protein context (NP_006757.2, residues 1826-1846): PLLQCNMSAT[Asn1836Ser]IGIPHTQRLQ